The following is an entry in ClinVar:

NM_020719.3(PRR12):c.5441dup (p.Pro1816fs)

Gene: PRR12 (proline rich 12; plus strand). Cytogenetic location: 19q13.33.
Variant type: Duplication.
Coding change: c.5441dup on transcript NM_020719.3 (MANE Select); coding-DNA position 5441, one base duplicated (G; older notation c.5441dupG).
Protein change: p.Pro1816fs; shifts the reading frame from proline 1816.
Molecular consequence: frameshift variant.
Genome position (GRCh38, 1-based): chr19:49,616,163, G duplicated; the last of 5 consecutive G bases (chr19:49,616,159-49,616,163); duplicating any one gives the same sequence. VCF-style (leftmost placement, unchanged base first): chr19-49616158-C-CG. GRCh37 (hg19) VCF-style: chr19-50119415-C-CG.
Other names: short protein forms P1816fs.
Identifiers: ClinVar variation 1309310 (VCV001309310.3), dbSNP rs2122359122, ClinGen allele CA2573054810.
Genomic context (GRCh38, chr19:49,616,158, plus strand): 5'-ACCGCCCCCTAAGAAGAGGAAGAAATGGCTGAAGGAGGCAGGCGGCAACGCTACAGCAGG[C>CG]GGGGGCCCACCAGGCAGCTCCTCGGACTCGGAGTCCTCCCCTGGAGCCCCCAGCGAGGAC-3'

ClinVar aggregate classification (germline): Pathogenic (1 of 4 stars; one submission).

Submission:

GeneDx
Classification: Pathogenic. Last evaluated: 2025-05-23. Review status: criteria provided, single submitter. Criteria: GeneDx Variant Classification Process June 2021. Collection method: clinical testing. Allele origin: germline. Affected: yes.
Comment: Frameshift variant predicted to result in protein truncation or nonsense mediated decay in a gene for which loss of function is a known mechanism of disease; Not observed at significant frequency in large population cohorts (gnomAD); Has not been previously published as pathogenic or benign to our knowledge